The following is an entry in ClinVar:

ClinVar aggregate classification (germline): Likely benign. Review status: criteria provided, multiple submitters, no conflicts (2 of 4 stars). 2 submissions from 2 submitters: Likely benign (2). Last evaluated 2024-01-21.

Conditions:
Hereditary pheochromocytoma and paraganglioma. Also called: Hereditary paragangliomas and pheochromocytomas; Hereditary pheochromocytoma-paraganglioma; Hereditary Paraganglioma-Pheochromocytoma Syndromes. Identifiers: Orphanet 29072, MedGen C4274332, MONDO:0017366.

Submissions (2):

Labcorp Genetics (formerly Invitae), Labcorp
Classification: Likely benign for Hereditary pheochromocytoma and paraganglioma. Last evaluated: 2024-01-21. Review status: criteria provided, single submitter. Criteria: Invitae Variant Classification Sherloc (09022015). Collection method: clinical testing. Allele origin: germline.

All of Us Research Program, National Institutes of Health
Classification: Likely benign for Hereditary pheochromocytoma and paraganglioma. Last evaluated: 2023-06-08. Review status: criteria provided, single submitter. Criteria: ACMG Guidelines, 2015. Collection method: clinical testing. Allele origin: germline. Inheritance: Autosomal dominant inheritance. Observed: 1 variant allele, 1 heterozygote.
Comment: This study involves interpretation of variants in research participants for the purpose of population health screening. Participant phenotype was not available at the time of variant classification. Additional details can be found in publication PMID: 35346344, PMCID: PMC8962531

NM_017841.4(SDHAF2):c.234A>G (p.Gly78=)

Gene: SDHAF2 (succinate dehydrogenase complex assembly factor 2; plus strand). Cytogenetic location: 11q12.2.
Variant type: single nucleotide variant.
Coding change: c.234A>G on transcript NM_017841.4 (MANE Select); coding-DNA position 234, A replaced by G.
Protein change: p.Gly78=; no amino-acid change (glycine 78 retained).
Molecular consequence: synonymous variant.
Genome position (GRCh38, 1-based): chr11:61,437,822, A>G. VCF-style: chr11-61437822-A-G. GRCh37 (hg19) VCF-style: chr11-61205294-A-G.
Identifiers: ClinVar variation 1135179 (VCV001135179.10), dbSNP rs2134892495, ClinGen allele CA474802988.